The following is an entry in ClinVar:

ClinVar aggregate classification (germline): Benign/Likely benign. Review status: criteria provided, multiple submitters, no conflicts (2 of 4 stars). 7 submissions from 7 submitters: Benign (1); Likely benign (5). 1 of the submissions does not count toward it. Last evaluated 2026-01-20.

Conditions:
ITPR1-related disorder. Also called: ITPR1-related condition.
Autosomal dominant cerebellar ataxia. Also called: Spinocerebellar Ataxia, Dominant. Identifiers: Orphanet 99, MedGen C4087347, MONDO:0020380.

Allele frequency attached by ClinVar (database versions not stated): ExAC 0.00024; gnomAD exomes 0.00028; ESP Exome Variant Server 0.00016; TOPMed 0.00018; gnomAD 0.00021.
gnomAD v4.1: 259 of 1,613,906 alleles (0.016%); highest among the groups gnomAD compares: Non-Finnish European, 0.017%; no homozygotes.

Submissions (7):

Labcorp Genetics (formerly Invitae), Labcorp
Classification: Likely benign. Last evaluated: 2026-01-20. Review status: criteria provided, single submitter. Criteria: Invitae Variant Classification Sherloc (09022015). Collection method: clinical testing. Allele origin: germline.

Blueprint Genetics
Classification: Likely benign. Last evaluated: 2024-08-26. Review status: criteria provided, single submitter. Criteria: ACMG Guidelines, 2015. Collection method: clinical testing. Allele origin: germline.

CeGaT Center for Human Genetics Tuebingen
Classification: Likely benign. Last evaluated: 2022-10-01. Review status: criteria provided, single submitter. Criteria: CeGaT Center For Human Genetics Tuebingen Variant Classification Criteria Version 2. Collection method: clinical testing. Allele origin: germline. Affected: yes. Observed: 1 variant allele.
Comment: ITPR1: BP4

GeneDx
Classification: Likely benign. Last evaluated: 2020-01-03. Review status: criteria provided, single submitter. Criteria: GeneDx Variant Classification Process June 2021. Collection method: clinical testing. Allele origin: germline. Affected: yes.

Illumina Laboratory Services, Illumina
Classification: Likely benign for Spinocerebellar Ataxia, Dominant. Last evaluated: 2018-01-13. Review status: criteria provided, single submitter. Criteria: ICSL Variant Classification Criteria 13 December 2019. Collection method: clinical testing. Allele origin: germline.
Comment: This variant was observed in the ICSL laboratory as part of a predisposition screen in an ostensibly healthy population. It had not been previously curated by ICSL or reported in the Human Gene Mutation Database (HGMD: prior to June 1st, 2018), and was therefore a candidate for classification through an automated scoring system. Utilizing variant allele frequency, disease prevalence and penetrance estimates, and inheritance mode, an automated score was calculated to assess if this variant is too frequent to cause the disease. Based on the score and internal cut-off values, a variant classified as likely benign is not then subjected to further curation. The score for this variant resulted in a classification of likely benign for this disease.

Athena Diagnostics
Classification: Benign. Last evaluated: 2016-12-12. Review status: criteria provided, single submitter. Criteria: Athena Diagnostics Criteria. Collection method: clinical testing. Allele origin: germline.

PreventionGenetics, part of Exact Sciences
Classification: Likely benign for ITPR1-related condition. Last evaluated: 2019-03-05. Review status: no assertion criteria provided. Collection method: clinical testing. Allele origin: germline. Not counted in ClinVar's aggregate classification.
Comment: This variant is classified as likely benign based on ACMG/AMP sequence variant interpretation guidelines (Richards et al. 2015 PMID: 25741868, with internal and published modifications).

NM_001378452.1(ITPR1):c.7389C>T (p.Phe2463=)

Gene: ITPR1 (inositol 1,4,5-trisphosphate receptor type 1; plus strand). Cytogenetic location: 3p26.1.
Variant type: single nucleotide variant.
Coding change: c.7389C>T on transcript NM_001378452.1 (MANE Select); coding-DNA position 7389, C replaced by T.
Protein change: p.Phe2463=; no amino-acid change (phenylalanine 2463 retained).
Molecular consequence: synonymous variant.
Genome position (GRCh38, 1-based): chr3:4,811,381, C>T. VCF-style: chr3-4811381-C-T. GRCh37 (hg19) VCF-style: chr3-4853065-C-T.
Other names: c.7245C>T, p.Phe2415= (NM_001099952.4); c.7344C>T, p.Phe2448= (NM_001168272.2); c.7200C>T, p.Phe2400= (NM_002222.7).
Identifiers: ClinVar variation 345781 (VCV000345781.45), dbSNP rs200487406, ClinGen allele CA2232830.